The following is an entry in ClinVar:

ClinVar aggregate classification (germline): Uncertain significance (1 of 4 stars; one submission).

Conditions:
Ornithine carbamoyltransferase deficiency (OTCD). Also called: ORNITHINE TRANSCARBAMYLASE DEFICIENCY; ORNITHINE TRANSCARBAMYLASE DEFICIENCY, HYPERAMMONEMIA DUE TO; OTC DEFICIENCY; Ornithine Carbamoyltransferase Deficiency Disease. Identifiers: Orphanet 664, MedGen C0268542, MONDO:0010703, OMIM 311250.

gnomAD v4.1: 1 of 1,206,021 alleles (0.000083%); highest among the groups gnomAD compares: East Asian, 0.003%; no homozygotes.

Submission:

Color Diagnostics, LLC DBA Color Health
Classification: Uncertain significance for Ornithine carbamoyltransferase deficiency. Last evaluated: 2023-08-02. Review status: criteria provided, single submitter. Criteria: ACMG Guidelines, 2015. Collection method: clinical testing. Allele origin: germline.
Comment: This missense variant replaces leucine with valine at codon 9 of the OTC protein. Computational prediction is inconclusive regarding the impact of this variant on protein structure and function. To our knowledge, functional studies have not been reported for this variant. This variant has not been reported in individuals affected with ornithine carbamoyltransferase deficiency in the literature. This variant has not been identified in the general population by the Genome Aggregation Database (gnomAD). The available evidence is insufficient to determine the role of this variant in disease conclusively. Therefore, this variant is classified as a Variant of Uncertain Significance.

NM_000531.6(OTC):c.25T>G (p.Leu9Val)

Gene: OTC (ornithine transcarbamylase; plus strand). Cytogenetic location: Xp11.4.
Variant type: single nucleotide variant.
Coding change: c.25T>G on transcript NM_000531.6 (MANE Select); coding-DNA position 25, T replaced by G.
Protein change: p.Leu9Val; replaces leucine 9 with valine.
Molecular consequence: missense variant.
Genome position (GRCh38, 1-based): chrX:38,352,721, T>G. VCF-style: chrX-38352721-T-G. GRCh37 (hg19) VCF-style: chrX-38211974-T-G.
Other names: c.25T>G, p.Leu9Val (NM_001407092.1); short protein forms L9V.
Identifiers: ClinVar variation 4758494 (VCV004758494.1).